The following is an entry in ClinVar:

ClinVar aggregate classification (germline): Conflicting classifications of pathogenicity. Review status: criteria provided, conflicting classifications (1 of 4 stars). 6 submissions from 6 submitters: Pathogenic (1); Likely pathogenic (2); Uncertain significance (2). 1 of the submissions does not count toward it. Last evaluated 2025-09-02.

Conditions:
CFTR-related disorder (CFTR-RD). Also called: CFTR-related disorders; CFTR-related condition. Identifiers: MedGen C5924204, MONDO:7770004.
Cystic fibrosis (CF). Also called: MUCOVISCIDOSIS. Identifiers: Orphanet 586, MedGen C0010674, MONDO:0009061, OMIM 219700. Disease mechanism: loss of function.

Submissions (6):

Women's Health and Genetics/Laboratory Corporation of America, LabCorp
Classification: Uncertain significance. Last evaluated: 2025-09-02. Review status: criteria provided, single submitter. Criteria: LabCorp Variant Classification Summary - May 2015. Collection method: clinical testing. Allele origin: germline.
Comment: Variant summary: CFTR c.1860T>G (p.His620Gln) results in a non-conservative amino acid change in the encoded protein sequence. Algorithms developed to predict the effect of missense changes on protein structure and function all suggest that this variant is likely to be disruptive. The variant was absent in 233816 control chromosomes. c.1860T>G has been observed in an individual affected with Cystic Fibrosis (Vankeerberghen_1998). These data do not allow any conclusion about variant significance. While some experimental studies have shown the variant to result in normally processed protein and increases chloride channel activity above that of the wild type protein (Vankeerberghen_1998, Wei_1998, Choi_2014), a different study found the variant to result in approximately 43% of normal chloride channel conductance relative to wild type (e.g., Bihler_2024). ClinVar contains an entry for this variant (Variation ID: 53407). Based on the evidence outlined above, the variant was classified as VUS-possibly pathogenic.

Natera, Inc.
Classification: Likely pathogenic for CFTR-related disorders. Last evaluated: 2025-08-15. Review status: criteria provided, single submitter. Criteria: Natera Variant Classification Schema (03/2026). Collection method: clinical testing. Allele origin: germline.
Comment: The c.1860T>G variant in CFTR is a missense variant predicted to cause substitution of histidine to glutamine at amino acid 620. This variant is rare in the general population with a frequency below the threshold expected for the associated phenotype(s). This variant has been observed in one or more individuals affected with the associated recessive disease, as either homozygous or compound heterozygous with a second variant (PMID: 9736778). Functional studies show that this variant may disrupt protein function (PMID: 11242048). Computational prediction algorithms indicate this variant is likely to affect gene or protein function. Given the available evidence, this variant is classified as Likely Pathogenic.

Institute of Human Genetics, University of Leipzig Medical Center
Classification: Pathogenic for Cystic fibrosis. Last evaluated: 2022-09-05. Review status: criteria provided, single submitter. Criteria: ACMG Guidelines, 2015. Collection method: curation. Allele origin: unknown. Affected: yes. Observed: 1 variant allele.
Comment: The variant was classified in the context of a project re-classifying variants in the German Cystic Fibrosis Registry (Muko.e.V.). Criteria applied: PS3_MOD, PM3, PM2_SUP, PM5_STR, PP3, PP4

Labcorp Genetics (formerly Invitae), Labcorp
Classification: Uncertain significance for Cystic fibrosis. Last evaluated: 2020-11-26. Review status: criteria provided, single submitter. Criteria: Invitae Variant Classification Sherloc (09022015). Collection method: clinical testing. Allele origin: germline.
Comment: This variant has not been reported in the literature in individuals with CFTR-related conditions. ClinVar contains an entry for this variant (Variation ID: 53407). In summary, the available evidence is currently insufficient to determine the role of this variant in disease. Therefore, it has been classified as a Variant of Uncertain Significance. Algorithms developed to predict the effect of sequence changes on RNA splicing suggest that this variant may create or strengthen a splice site, but this prediction has not been confirmed by published transcriptional studies. Experimental studies have shown that this variant affects CFTR protein function (PMID: 9736778, 9849891, 22722932, 11242048). This variant is not present in population databases (ExAC no frequency). This sequence change replaces histidine with glutamine at codon 620 of the CFTR protein (p.His620Gln). The histidine residue is moderately conserved and there is a small physicochemical difference between histidine and glutamine.

Ambry Genetics
Classification: Likely pathogenic for Cystic fibrosis. Last evaluated: 2014-10-10. Review status: criteria provided, single submitter. Criteria: Ambry Variant Classification Scheme 2023. Collection method: clinical testing. Allele origin: germline.
Comment: The p.H620Q (also known as c.1860T>G) variant is located in exon 14 of the CFTR gene. This variant results from an T to G substitution at nucleotide position 1860. The histidine at codon 620 is replaced by glutamine, an amino acid with similar properties. This variant has been described in one individual with pancreatic insufficiency, recurrent pulmonary infections, and elevated sweat chloride, who was reported to be compound heterozygous for deltaF508 (Vankeerberghen et al. Hum. Mol. Genet. 1998 Oct;7(11):1761-9). Multiple in vitro studies have shown this variant, which is located in the regulatory domain of CFTR, results in a normally processed protein and increases chloride channel activity above that of the wild type protein (Vankeerberghen et al. Hum. Mol. Genet. 1998 Oct;7(11):1761-9l; Choi et al. Nature 2001 Mar;410(6824):94-7; Wei L et al. FEBS Lett. 1998 Nov 13;439(1-2):121-6). This variant has been detected in trans with a pathogenic mutation in CFTR in a set of twins by our laboratory. This variant was not reported in population-based cohorts in the following databases: Database of Single Nucleotide Polymorphisms (dbSNP), NHLBI Exome Sequencing Project (ESP) and 1000 Genomes Project. This amino acid position is highly conserved on sequence alignment of available vertebrate species. This variant is predicted to be probably damaging by PolyPhen and tolerated by SIFT in silico analyses. Based on the majority of available evidence to date, this variant is likely to be pathogenic.

ClinVar Staff, National Center for Biotechnology Information (NCBI)
No classification provided. Condition: CFTR-related disorders. Review status: no classification provided. Collection method: literature only. Allele origin: germline. Affected: yes. Not counted in ClinVar's aggregate classification.

Literature cited by the submitters: PubMed 9736778 (cited by 4 submitters); PubMed 11242048 (cited by 4 submitters); PubMed 9849891 (cited by 3 submitters); PubMed 38388235 (cited by Women's Health and Genetics/Laboratory Corporation of America, LabCorp); PubMed 22722932 (cited by Labcorp Genetics (formerly Invitae), Labcorp and Ambry Genetics); PubMed 19019741 (cited by Ambry Genetics); PubMed 20435887 (cited by Ambry Genetics).

NM_000492.4(CFTR):c.1860T>G (p.His620Gln)

Gene: CFTR (CF transmembrane conductance regulator; plus strand). Cytogenetic location: 7q31.2.
Variant type: single nucleotide variant.
Coding change: c.1860T>G on transcript NM_000492.4 (MANE Select); coding-DNA position 1860, T replaced by G.
Protein change: p.His620Gln; replaces histidine 620 with glutamine.
Molecular consequence: missense variant.
Genome position (GRCh38, 1-based): chr7:117,592,027, T>G. VCF-style: chr7-117592027-T-G. GRCh37 (hg19) VCF-style: chr7-117232081-T-G.
Other names: short protein forms H620Q.
Identifiers: ClinVar variation 53407 (VCV000053407.12), dbSNP rs397508315, ClinGen allele CA326703.